The following is an entry in ClinVar:

ClinVar aggregate classification (germline): Uncertain significance. Review status: criteria provided, multiple submitters, no conflicts (2 of 4 stars). 2 submissions from 2 submitters: Uncertain significance (2). Last evaluated 2025-08-20.

Conditions:
Hereditary cancer-predisposing syndrome. Also called: Hereditary Cancer Syndrome; Tumor predisposition; Hereditary neoplastic syndrome; Neoplastic Syndromes, Hereditary. Identifiers: Orphanet 140162, MedGen C0027672, MeSH D009386, MONDO:0015356.

Submissions (2):

Labcorp Genetics (formerly Invitae), Labcorp
Classification: Uncertain significance. Last evaluated: 2025-08-20. Review status: criteria provided, single submitter. Criteria: Invitae Variant Classification Sherloc (09022015). Collection method: clinical testing. Allele origin: germline.
Comment: This sequence change replaces asparagine, which is neutral and polar, with lysine, which is basic and polar, at codon 49 of the CTNNA1 protein (p.Asn49Lys). This variant is not present in population databases (gnomAD no frequency). This variant has not been reported in the literature in individuals affected with CTNNA1-related conditions. ClinVar contains an entry for this variant (Variation ID: 1056638). Invitae Evidence Modeling of protein sequence and biophysical properties (such as structural, functional, and spatial information, amino acid conservation, physicochemical variation, residue mobility, and thermodynamic stability) indicates that this missense variant is not expected to disrupt CTNNA1 protein function with a negative predictive value of 80%. In summary, the available evidence is currently insufficient to determine the role of this variant in disease. Therefore, it has been classified as a Variant of Uncertain Significance.

Ambry Genetics
Classification: Uncertain significance for Hereditary cancer-predisposing syndrome. Last evaluated: 2023-10-01. Review status: criteria provided, single submitter. Criteria: Ambry Variant Classification Scheme 2023. Collection method: clinical testing. Allele origin: germline.
Comment: The p.N49K variant (also known as c.147T>G), located in coding exon 2 of the CTNNA1 gene, results from a T to G substitution at nucleotide position 147. The asparagine at codon 49 is replaced by lysine, an amino acid with similar properties. This amino acid position is conserved. In addition, this alteration is predicted to be tolerated by in silico analysis. Since supporting evidence is limited at this time, the clinical significance of this alteration remains unclear.

NM_001903.5(CTNNA1):c.147T>G (p.Asn49Lys)

Gene: CTNNA1 (catenin alpha 1; plus strand). Cytogenetic location: 5q31.2.
Variant type: single nucleotide variant.
Coding change: c.147T>G on transcript NM_001903.5 (MANE Select); coding-DNA position 147, T replaced by G.
Protein change: p.Asn49Lys; replaces asparagine 49 with lysine.
Molecular consequence: missense variant. On other transcripts: 5 prime UTR variant (1), intron variant (1).
Genome position (GRCh38, 1-based): chr5:138,783,218, T>G. VCF-style: chr5-138783218-T-G. GRCh37 (hg19) VCF-style: chr5-138118907-T-G.
Other names: c.147T>G (NM_001903.2); c.147T>G, p.Asn49Lys (NM_001290307.3, NM_001323982.2, NM_001323983.1 and 3 more transcripts); c.-60T>G (NM_001290310.3); c.-9+1189T>G (NM_001290309.3); short protein forms N49K.
Identifiers: ClinVar variation 1056638 (VCV001056638.10), dbSNP rs2149656210, ClinGen allele CA361477347.